The following is an entry in ClinVar:

NC_000008.10:g.(?_100515082)_(100589871_?)del

Gene: VPS13B (vacuolar protein sorting 13 homolog B; plus strand). Cytogenetic location: 8q22.2.
Variant type: Deletion.
Identifiers: ClinVar variation 3245447 (VCV003245447.1).

ClinVar aggregate classification (germline): Likely pathogenic (1 of 4 stars; one submission).

Conditions:
Cohen syndrome (COH1). Also called: Cutis verticis gyrata, retinitis pigmentosa, and sensorineural deafness; PEPPER SYNDROME. Identifiers: Orphanet 193, MedGen C0265223, MONDO:0008999, OMIM 216550.

Submission:

Labcorp Genetics (formerly Invitae), Labcorp
Classification: Likely pathogenic for Cohen syndrome. Last evaluated: 2020-09-15. Review status: criteria provided, single submitter. Criteria: Invitae Variant Classification Sherloc (09022015). Collection method: clinical testing. Allele origin: unknown.
Comment: This variant results in the deletion of exon(s) 28-33 and part of exon 27 (c.4061_5295+?del) of the VPS13B gene. It is expected to disrupt RNA splicing and likely results in an absent or disrupted protein product. This variant has not been reported in the literature in individuals with VPS13B-related conditions. Loss-of-function variants in VPS13B are known to be pathogenic (PMID: 15141358, 16648375, 20461111). In summary, the currently available evidence indicates that the variant is pathogenic, but additional data are needed to prove that conclusively. Therefore, this variant has been classified as Likely Pathogenic.

Literature cited by the submitters: PubMed 15141358; PubMed 16648375; PubMed 20461111.